The following is an entry in ClinVar:

ClinVar aggregate classification (germline): Uncertain significance. Review status: criteria provided, multiple submitters, no conflicts (2 of 4 stars). 2 submissions from 2 submitters: Uncertain significance (2). Last evaluated 2024-09-11.

Conditions:
Catecholaminergic polymorphic ventricular tachycardia 1. Also called: VENTRICULAR TACHYCARDIA, CATECHOLAMINERGIC POLYMORPHIC, 1, WITH OR WITHOUT ATRIAL DYSFUNCTION AND/OR DILATED CARDIOMYOPATHY; VENTRICULAR TACHYCARDIA, STRESS-INDUCED POLYMORPHIC 1; RYR2-Related Catecholaminergic Polymorphic Ventricular Tachycardia. Identifiers: Orphanet 3286, MedGen C1631597, MONDO:0011484, OMIM 604772.
Cardiomyopathy (CMYO). Also called: Cardiomyopathies. Identifiers: Orphanet 167848, MedGen C0878544, MONDO:0004994, HP:0001638. Inheritance: Various modes of inheritance.

gnomAD v4.1: 8 of 1,613,524 alleles (0.0005%); highest among the groups gnomAD compares: Middle Eastern, 0.049%; no homozygotes.

Submissions (2):

Labcorp Genetics (formerly Invitae), Labcorp
Classification: Uncertain significance for Catecholaminergic polymorphic ventricular tachycardia 1. Last evaluated: 2024-09-11. Review status: criteria provided, single submitter. Criteria: Invitae Variant Classification Sherloc (09022015). Collection method: clinical testing. Allele origin: germline.
Comment: This sequence change replaces valine, which is neutral and non-polar, with phenylalanine, which is neutral and non-polar, at codon 1918 of the RYR2 protein (p.Val1918Phe). This variant is present in population databases (no rsID available, gnomAD 0.002%). This variant has not been reported in the literature in individuals affected with RYR2-related conditions. ClinVar contains an entry for this variant (Variation ID: 1332603). Invitae Evidence Modeling of protein sequence and biophysical properties (such as structural, functional, and spatial information, amino acid conservation, physicochemical variation, residue mobility, and thermodynamic stability) indicates that this missense variant is not expected to disrupt RYR2 protein function with a negative predictive value of 95%. In summary, the available evidence is currently insufficient to determine the role of this variant in disease. Therefore, it has been classified as a Variant of Uncertain Significance.

Color Diagnostics, LLC DBA Color Health
Classification: Uncertain significance for Cardiomyopathy. Last evaluated: 2024-03-06. Review status: criteria provided, single submitter. Criteria: ACMG Guidelines, 2015. Collection method: clinical testing. Allele origin: germline.
Comment: This missense variant replaces valine with phenylalanine at codon 1918 of the RYR2 protein. Computational prediction suggests that this variant may not impact protein structure and function (internally defined REVEL score threshold <= 0.5, PMID: 27666373). To our knowledge, functional studies have not been reported for this variant. This variant has not been reported in individuals affected with cardiovascular disorders in the literature. This variant has been identified in 2/248200 chromosomes in the general population by the Genome Aggregation Database (gnomAD). The available evidence is insufficient to determine the role of this variant in disease conclusively. Therefore, this variant is classified as a Variant of Uncertain Significance.

NM_001035.3(RYR2):c.5752G>T (p.Val1918Phe)

Gene: RYR2 (ryanodine receptor 2; plus strand). Cytogenetic location: 1q43.
Variant type: single nucleotide variant.
Coding change: c.5752G>T on transcript NM_001035.3 (MANE Select); coding-DNA position 5752, G replaced by T.
Protein change: p.Val1918Phe; replaces valine 1918 with phenylalanine.
Molecular consequence: missense variant.
Genome position (GRCh38, 1-based): chr1:237,617,322, G>T. VCF-style: chr1-237617322-G-T. GRCh37 (hg19) VCF-style: chr1-237780622-G-T.
Other names: short protein forms V1918F.
Identifiers: ClinVar variation 1332603 (VCV001332603.9), dbSNP rs912197043, ClinGen allele CA39833676.
Genomic context (GRCh38, chr1:237,617,322, plus strand): 5'-GGTGTCTTTTTAATGGTCTCTTAGATGTGCCTACTGCTTCAGTACCTCTGTGACTGCCAG[G>T]TCCGGCACCGGATAGAAGCCATTGTAGCCTTTTCAGATGATTTTGTGGCTAAGCTCCAAG-3'
Protein context (NP_001026.2, residues 1908-1928): LLLQYLCDCQ[Val1918Phe]RHRIEAIVAF